The following is an entry in ClinVar:

NM_024301.5(FKRP):c.466G>A (p.Val156Met)

Gene: FKRP (fukutin related protein; plus strand). Cytogenetic location: 19q13.32.
Variant type: single nucleotide variant.
Coding change: c.466G>A on transcript NM_024301.5 (MANE Select); coding-DNA position 466, G replaced by A.
Protein change: p.Val156Met; replaces valine 156 with methionine.
Molecular consequence: missense variant.
Genome position (GRCh38, 1-based): chr19:46,755,916, G>A. VCF-style: chr19-46755916-G-A. GRCh37 (hg19) VCF-style: chr19-47259173-G-A.
Other names: c.466G>A, p.Val156Met (NM_001039885.3); short protein forms V156M.
Identifiers: ClinVar variation 241457 (VCV000241457.14), dbSNP rs765402738, ClinGen allele CA9532154.

ClinVar aggregate classification (germline): Uncertain significance. Review status: criteria provided, multiple submitters, no conflicts (2 of 4 stars). 3 submissions from 3 submitters: Uncertain significance (3). Last evaluated 2025-09-28.

Conditions:
Cardiovascular phenotype. Identifiers: MedGen CN230736.
Walker-Warburg congenital muscular dystrophy. Also called: Muscular dystrophy-dystroglycanopathy, type A; Walker-Warburg syndrome. Identifiers: Orphanet 899, MedGen C0265221, MONDO:0000171.

Allele frequency attached by ClinVar (database versions not stated): gnomAD exomes 0.00001 and 0.00002; ExAC 0.00013.

Submissions (3):

Labcorp Genetics (formerly Invitae), Labcorp
Classification: Uncertain significance for Walker-Warburg congenital muscular dystrophy. Last evaluated: 2025-09-28. Review status: criteria provided, single submitter. Criteria: Invitae Variant Classification Sherloc (09022015). Collection method: clinical testing. Allele origin: germline.
Comment: This sequence change replaces valine, which is neutral and non-polar, with methionine, which is neutral and non-polar, at codon 156 of the FKRP protein (p.Val156Met). This variant is present in population databases (rs765402738, gnomAD 0.005%). This variant has not been reported in the literature in individuals affected with FKRP-related conditions. ClinVar contains an entry for this variant (Variation ID: 241457). Invitae Evidence Modeling of protein sequence and biophysical properties (such as structural, functional, and spatial information, amino acid conservation, physicochemical variation, residue mobility, and thermodynamic stability) has been performed for this missense variant. However, the output from this modeling did not meet the statistical confidence thresholds required to predict the impact of this variant on FKRP protein function. In summary, the available evidence is currently insufficient to determine the role of this variant in disease. Therefore, it has been classified as a Variant of Uncertain Significance.

Ambry Genetics
Classification: Uncertain significance for Cardiovascular phenotype. Last evaluated: 2025-02-01. Review status: criteria provided, single submitter. Criteria: Ambry Variant Classification Scheme 2023. Collection method: clinical testing. Allele origin: germline.
Comment: The p.V156M variant (also known as c.466G>A), located in coding exon 1 of the FKRP gene, results from a G to A substitution at nucleotide position 466. The valine at codon 156 is replaced by methionine, an amino acid with highly similar properties. This amino acid position is conserved. In addition, the in silico prediction for this alteration is inconclusive. Based on the available evidence, the clinical significance of this variant remains unclear.

Eurofins Ntd Llc (ga)
Classification: Uncertain significance. Last evaluated: 2016-07-11. Review status: criteria provided, single submitter. Criteria: EGL Classification Definitions 2015. Collection method: clinical testing. Allele origin: germline. Observed: 1 variant allele, 1 heterozygote.